The following is an entry in ClinVar:

ClinVar aggregate classification (germline): Uncertain significance (1 of 4 stars; one submission).

Conditions:
Hereditary pheochromocytoma and paraganglioma. Also called: Hereditary paragangliomas and pheochromocytomas; Hereditary Paraganglioma-Pheochromocytoma Syndromes; Hereditary pheochromocytoma-paraganglioma. Identifiers: Orphanet 29072, MedGen C4274332, MONDO:0017366.

Submission:

Labcorp Genetics (formerly Invitae), Labcorp
Classification: Uncertain significance for Hereditary pheochromocytoma and paraganglioma. Last evaluated: 2025-05-05. Review status: criteria provided, single submitter. Criteria: Invitae Variant Classification Sherloc (09022015). Collection method: clinical testing. Allele origin: germline.
Comment: This sequence change falls in intron 2 of the TMEM127 gene. It does not directly change the encoded amino acid sequence of the TMEM127 protein. It affects a nucleotide within the consensus splice site. This variant is not present in population databases (gnomAD no frequency). This variant has not been reported in the literature in individuals affected with TMEM127-related conditions. ClinVar contains an entry for this variant (Variation ID: 2135294). Variants that disrupt the consensus splice site are a relatively common cause of aberrant splicing (PMID: 17576681, 9536098). Algorithms developed to predict the effect of sequence changes on RNA splicing suggest that this variant is not likely to affect RNA splicing. In summary, the available evidence is currently insufficient to determine the role of this variant in disease. Therefore, it has been classified as a Variant of Uncertain Significance.

Literature cited by the submitters: PubMed 17576681; PubMed 9536098.

NM_017849.4(TMEM127):c.244+6G>A

Gene: TMEM127 (transmembrane protein 127; minus strand). Cytogenetic location: 2q11.2.
Variant type: single nucleotide variant.
Coding change: c.244+6G>A on transcript NM_017849.4 (MANE Select); 6 bases into the intron after coding-DNA position 244, G replaced by A.
Molecular consequence: intron variant.
Genome position (GRCh38, 1-based): chr2:96,265,132, C>T on the plus strand (G>A on the coding strand, the complement: TMEM127 is on the minus strand). VCF-style: chr2-96265132-C-T. GRCh37 (hg19) VCF-style: chr2-96930870-C-T.
Other names: c.244+6G>A (NM_001193304.3).
Identifiers: ClinVar variation 2135294 (VCV002135294.4), dbSNP rs1573977546, ClinGen allele CA2580068301.